The following is an entry in ClinVar:

NM_001256715.2(DNAAF3):c.1330G>A (p.Gly444Arg)

Genes: DNAAF3-AS1 (DNAAF3 antisense RNA 1; plus strand), DNAAF3 (dynein axonemal assembly factor 3; minus strand). Cytogenetic location: 19q13.42.
Variant type: single nucleotide variant.
Coding change: c.1330G>A on transcript NM_001256715.2 (MANE Select); coding-DNA position 1330, G replaced by A.
Protein change: p.Gly444Arg; replaces glycine 444 with arginine.
Molecular consequence: missense variant.
Genome position (GRCh38, 1-based): chr19:55,159,358, C>T on the plus strand (G>A on the coding strand, the complement: DNAAF3 is on the minus strand). VCF-style: chr19-55159358-C-T. GRCh37 (hg19) VCF-style: chr19-55670726-C-T.
Other names: c.1531G>A, p.Gly511Arg (NM_001256714.1); c.1168G>A, p.Gly390Arg (NM_001256716.2); c.1471G>A, p.Gly491Arg (NM_178837.4); short protein forms G511R, G444R, G491R, G390R.
Identifiers: ClinVar variation 660318 (VCV000660318.12), dbSNP rs562819833, ClinGen allele CA9667803.

ClinVar aggregate classification (germline): Uncertain significance. Review status: criteria provided, multiple submitters, no conflicts (2 of 4 stars). 2 submissions from 2 submitters: Uncertain significance (2). Last evaluated 2025-08-03.

Conditions:
Primary ciliary dyskinesia. Also called: Ciliary dyskinesia. Identifiers: Orphanet 244, MedGen C0008780, MONDO:0016575, HP:0012265.

Allele frequency attached by ClinVar (database versions not stated): gnomAD 0.00006 and 0.00009; TOPMed 0.00006; gnomAD exomes 0.00009 and 0.00010; ExAC 0.00011; 1000 Genomes Project 30x 0.00031; 1000 Genomes Project 0.00040.
gnomAD v4.1: 158 of 1,614,174 alleles (0.0098%); highest among the groups gnomAD compares: South Asian, 0.065%; 2 homozygotes.

Submissions (2):

Ambry Genetics
Classification: Uncertain significance for Primary ciliary dyskinesia. Last evaluated: 2025-08-03. Review status: criteria provided, single submitter. Criteria: Ambry Variant Classification Scheme 2023. Collection method: clinical testing. Allele origin: germline.
Comment: The p.G511R variant (also known as c.1531G>A), located in coding exon 12 of the DNAAF3 gene, results from a G to A substitution at nucleotide position 1531. The glycine at codon 511 is replaced by arginine, an amino acid with dissimilar properties. This amino acid position is conserved. In addition, this alteration is predicted to be tolerated by in silico analysis. Since supporting evidence is limited at this time, the clinical significance of this alteration remains unclear.

Labcorp Genetics (formerly Invitae), Labcorp
Classification: Uncertain significance for Primary ciliary dyskinesia. Last evaluated: 2024-11-18. Review status: criteria provided, single submitter. Criteria: Invitae Variant Classification Sherloc (09022015). Collection method: clinical testing. Allele origin: germline.
Comment: This sequence change replaces glycine, which is neutral and non-polar, with arginine, which is basic and polar, at codon 511 of the DNAAF3 protein (p.Gly511Arg). This variant is present in population databases (rs562819833, gnomAD 0.06%). This variant has not been reported in the literature in individuals affected with DNAAF3-related conditions. ClinVar contains an entry for this variant (Variation ID: 660318). Invitae Evidence Modeling of protein sequence and biophysical properties (such as structural, functional, and spatial information, amino acid conservation, physicochemical variation, residue mobility, and thermodynamic stability) indicates that this missense variant is not expected to disrupt DNAAF3 protein function with a negative predictive value of 80%. In summary, the available evidence is currently insufficient to determine the role of this variant in disease. Therefore, it has been classified as a Variant of Uncertain Significance.